The following is an entry in ClinVar:

ClinVar aggregate classification (germline): Conflicting classifications of pathogenicity. Review status: criteria provided, conflicting classifications (1 of 4 stars). 5 submissions from 5 submitters: Uncertain significance (2); Benign (1); Likely benign (1). 1 of the submissions does not count toward it. Last evaluated 2025-12-15.

Conditions:
DNAH11-related disorder. Also called: DNAH11-related condition.
Primary ciliary dyskinesia. Also called: Ciliary dyskinesia. Identifiers: Orphanet 244, MedGen C0008780, MONDO:0016575, HP:0012265.
Primary ciliary dyskinesia 7. Also called: CILIARY DYSKINESIA, PRIMARY, 7, WITH OR WITHOUT SITUS INVERSUS. Identifiers: Orphanet 244, MedGen C2678473, MONDO:0012748, OMIM 611884.

Allele frequency attached by ClinVar (database versions not stated): 1000 Genomes Project 0.00020; 1000 Genomes Project 30x 0.00047; gnomAD 0.00071 and 0.00078; TOPMed 0.00080.
gnomAD v4.1: 183 of 1,614,002 alleles (0.011%); highest among the groups gnomAD compares: African/African-American, 0.22%; no homozygotes.

Submissions (5):

Labcorp Genetics (formerly Invitae), Labcorp
Classification: Likely benign for Primary ciliary dyskinesia. Last evaluated: 2025-12-15. Review status: criteria provided, single submitter. Criteria: Invitae Variant Classification Sherloc (09022015). Collection method: clinical testing. Allele origin: germline.

Ambry Genetics
Classification: Benign for Primary ciliary dyskinesia. Last evaluated: 2024-04-29. Review status: criteria provided, single submitter. Criteria: Ambry Variant Classification Scheme 2023. Collection method: clinical testing. Allele origin: germline.

Revvity Omics, Revvity
Classification: Uncertain significance for Primary ciliary dyskinesia 7. Last evaluated: 2022-05-10. Review status: criteria provided, single submitter. Criteria: ACMG Guidelines, 2015. Collection method: clinical testing. Allele origin: germline.

Laboratory for Molecular Medicine, Mass General Brigham Personalized Medicine
Classification: Uncertain significance. Last evaluated: 2013-12-27. Review status: criteria provided, single submitter. Criteria: LMM Criteria. Collection method: clinical testing. Allele origin: germline. Observed: 1 variant allele.
Comment: The Gln4323His variant in DNAH11 has not been previously identified in individua ls with pulmonary disease. This variant has been identified in 1/2178 chromosome s from a broad population by the 1000 Genomes Project (ov/variation/tools/1000genomes/; dbSNP rs191802172). Glutamine at position 4223 is not well conserved in evolution, and the variant residue (Histidine) has been observed in one mammalian species (Egyptian Jerboa), suggesting that the change may be tolerated. Additional computational analyses (biochemical amino acid pro perties, AlignGVGD, PolyPhen2, and SIFT) do not provide strong support for or ag ainst an impact to the protein. In summary, additional information is needed to fully assess its clinical significance.

PreventionGenetics, part of Exact Sciences
Classification: Likely benign for DNAH11-related condition. Last evaluated: 2023-08-15. Review status: no assertion criteria provided. Collection method: clinical testing. Allele origin: germline. Not counted in ClinVar's aggregate classification.
Comment: This variant is classified as likely benign based on ACMG/AMP sequence variant interpretation guidelines (Richards et al. 2015 PMID: 25741868, with internal and published modifications).

NM_001277115.2(DNAH11):c.12969G>C (p.Gln4323His)

Gene: DNAH11 (dynein axonemal heavy chain 11; plus strand). Cytogenetic location: 7p15.3.
Variant type: single nucleotide variant.
Coding change: c.12969G>C on transcript NM_001277115.2 (MANE Select); coding-DNA position 12969, G replaced by C.
Protein change: p.Gln4323His; replaces glutamine 4323 with histidine.
Molecular consequence: missense variant.
Genome position (GRCh38, 1-based): chr7:21,894,919, G>C. VCF-style: chr7-21894919-G-C. GRCh37 (hg19) VCF-style: chr7-21934537-G-C.
Other names: short protein forms Q4323H.
Identifiers: ClinVar variation 163128 (VCV000163128.23), dbSNP rs191802172, ClinGen allele CA175761.
Genomic context (GRCh38, chr7:21,894,919, plus strand): 5'-GTGTGGCTTTTTTTCTCCATGCAAGGGGGAATTGGCATTATCTCCTGCTGTGGAAGCCCA[G>C]CAGTTTGCATTGAGTTATGACACGGTACCAGACACTTGGAGCAAACTGGCTTATCCTTCT-3'
Protein context (NP_001264044.1, residues 4313-4333): ELALSPAVEA[Gln4323His]QFALSYDTVP